The following is an entry in ClinVar:

ClinVar aggregate classification (germline): Conflicting classifications of pathogenicity. Review status: criteria provided, conflicting classifications (1 of 4 stars). 7 submissions from 6 submitters: Uncertain significance (1); Likely benign (5). 1 of the submissions does not count toward it. Last evaluated 2025-12-16.

Conditions:
SETX-related disorder. Also called: SETX-related disorders; SETX-related condition. Identifiers: MedGen CN239403.
Amyotrophic lateral sclerosis type 4 (ALS4). Also called: AMYOTROPHIC LATERAL SCLEROSIS 4, JUVENILE; NEURONOPATHY, DISTAL HEREDITARY MOTOR, WITH PYRAMIDAL FEATURES. Identifiers: Orphanet 357043, MedGen C1865409, MONDO:0011223, OMIM 602433.
Spinocerebellar ataxia, autosomal recessive, with axonal neuropathy 2 (SCAN2). Also called: ATAXIA-OCULOMOTOR APRAXIA 2; Ataxia-ocular apraxia-2; Ataxia with Oculomotor Apraxia Type 2; Ataxia with Oculomotor Apraxia. Identifiers: Orphanet 64753, MedGen C1853761, MONDO:0018996, OMIM 606002.

Allele frequency attached by ClinVar (database versions not stated): gnomAD exomes 0.00005 and 0.00009; ExAC 0.00006; gnomAD 0.00008; TOPMed 0.00009; ESP Exome Variant Server 0.00015.
gnomAD v4.1: 138 of 1,614,060 alleles (0.0085%); highest among the groups gnomAD compares: Non-Finnish European, 0.01%; 1 homozygote.

Submissions (7):

Labcorp Genetics (formerly Invitae), Labcorp
Classification: Likely benign for Amyotrophic lateral sclerosis type 4; Spinocerebellar ataxia, autosomal recessive, with axonal neuropathy 2. Last evaluated: 2025-12-16. Review status: criteria provided, single submitter. Criteria: Invitae Variant Classification Sherloc (09022015). Collection method: clinical testing. Allele origin: germline.

Mayo Clinic Laboratories, Mayo Clinic
Classification: Likely benign. Last evaluated: 2025-03-03. Review status: criteria provided, single submitter. Criteria: ACMG Guidelines, 2015. Collection method: clinical testing. Allele origin: germline. Observed: 1 variant allele.
Comment: BP4, BP7

Blueprint Genetics
Classification: Likely benign. Last evaluated: 2024-11-14. Review status: criteria provided, single submitter. Criteria: ACMG Guidelines, 2015. Collection method: clinical testing. Allele origin: germline.

ARUP Laboratories, Molecular Genetics and Genomics, ARUP Laboratories
Classification: Likely benign. Last evaluated: 2018-09-16. Review status: criteria provided, single submitter. Criteria: ARUP Molecular Germline Variant Investigation Process. Collection method: clinical testing. Allele origin: germline.

Illumina Laboratory Services, Illumina
Classification: Uncertain significance for Spinocerebellar ataxia, autosomal recessive, with axonal neuropathy 2. Last evaluated: 2018-01-13. Review status: criteria provided, single submitter. Criteria: ICSL Variant Classification Criteria 13 December 2019. Collection method: clinical testing. Allele origin: germline.

Illumina Laboratory Services, Illumina
Classification: Likely benign for Amyotrophic lateral sclerosis type 4. Last evaluated: 2018-01-13. Review status: criteria provided, single submitter. Criteria: ICSL Variant Classification Criteria 13 December 2019. Collection method: clinical testing. Allele origin: germline.
Comment: This variant was observed in the ICSL laboratory as part of a predisposition screen in an ostensibly healthy population. It had not been previously curated by ICSL or reported in the Human Gene Mutation Database (HGMD: prior to June 1st, 2018), and was therefore a candidate for classification through an automated scoring system. Utilizing variant allele frequency, disease prevalence and penetrance estimates, and inheritance mode, an automated score was calculated to assess if this variant is too frequent to cause the disease. Based on the score and internal cut-off values, a variant classified as likely benign is not then subjected to further curation. The score for this variant resulted in a classification of likely benign for this disease.

PreventionGenetics, part of Exact Sciences
Classification: Likely benign for SETX-related condition. Last evaluated: 2023-03-08. Review status: no assertion criteria provided. Collection method: clinical testing. Allele origin: germline. Not counted in ClinVar's aggregate classification.
Comment: This variant is classified as likely benign based on ACMG/AMP sequence variant interpretation guidelines (Richards et al. 2015 PMID: 25741868, with internal and published modifications).

NM_015046.7(SETX):c.1221A>G (p.Thr407=)

Gene: SETX (senataxin; minus strand). Cytogenetic location: 9q34.13.
Variant type: single nucleotide variant.
Coding change: c.1221A>G on transcript NM_015046.7 (MANE Select); coding-DNA position 1221, A replaced by G.
Protein change: p.Thr407=; no amino-acid change (threonine 407 retained).
Molecular consequence: synonymous variant.
Genome position (GRCh38, 1-based): chr9:132,330,377, T>C on the plus strand (A>G on the coding strand, the complement: SETX is on the minus strand). VCF-style: chr9-132330377-T-C. GRCh37 (hg19) VCF-style: chr9-135205764-T-C.
Other names: p.Thr407=; c.1221A>G, p.Thr407= (NM_001351527.2, NM_001351528.2).
Identifiers: ClinVar variation 811245 (VCV000811245.23), dbSNP rs377618570, ClinGen allele CA5297810.
Genomic context (GRCh38, chr9:132,330,377, plus strand): 5'-AGCCACACCCAAATCCTTAAGATCCATGAGGGACTGGACAAAAGGGATGAACCATAGAAA[T>C]GTGCTGTTATGAACACGCATGTCTTGACCAATATCTGACTGAAGTACACTGGCTAATGTT-3'
Protein context (NP_055861.3, residues 397-417): IGQDMRVHNS[Thr407=]FLWFIPFVQS